The following is an entry in ClinVar:

NM_138691.3(TMC1):c.1992T>G (p.Cys664Trp)

Gene: TMC1 (transmembrane channel like 1; plus strand). Cytogenetic location: 9q21.13.
Variant type: single nucleotide variant.
Coding change: c.1992T>G on transcript NM_138691.3 (MANE Select); coding-DNA position 1992, T replaced by G.
Protein change: p.Cys664Trp; replaces cysteine 664 with tryptophan.
Molecular consequence: missense variant.
Genome position (GRCh38, 1-based): chr9:72,821,070, T>G. VCF-style: chr9-72821070-T-G. GRCh37 (hg19) VCF-style: chr9-75435986-T-G.
Other names: short protein forms C664W.
Identifiers: ClinVar variation 165440 (VCV000165440.5), dbSNP rs727503487, ClinGen allele CA178216.
Genomic context (GRCh38, chr9:72,821,070, plus strand): 5'-CTTCCTGTCCACAATGCCTGTCTTGTACATGATCGTGTCCCTCCCACCATCTTTTGATTG[T>G]GGTCCATTCAGGTCTCTTGCTTTTGAAATTTGACTCAGGCATCGTGTTCTTTCGGGGGTG-3'
Protein context (NP_619636.2, residues 654-674): MIVSLPPSFD[Cys664Trp]GPFSGKNRMF

ClinVar aggregate classification (germline): Uncertain significance (1 of 4 stars; one submission).

Submission:

Laboratory for Molecular Medicine, Mass General Brigham Personalized Medicine
Classification: Uncertain significance. Last evaluated: 2015-03-06. Review status: criteria provided, single submitter. Criteria: LMM Criteria. Collection method: clinical testing. Allele origin: germline. Observed: 2 variant alleles.
Comment: Variant classified as Uncertain Significance - Favor Pathogenic. The p.Cys664Trp variant in TMC1 has not been reported in individuals hearing loss and was absen t from large population studies. Computational prediction tools and conservation analysis suggest that this variant may impact the protein, though this informat ion is not predictive enough to determine pathogenicity. In summary, while there is some suspicion for a pathogenic role, the clinical significance of the p.Cys 664Trp variant is uncertain.